The following is an entry in ClinVar:

ClinVar aggregate classification (germline): Likely benign. Review status: criteria provided, multiple submitters, no conflicts (2 of 4 stars). 3 submissions from 3 submitters: Likely benign (2). 1 of the submissions does not count toward it. Last evaluated 2024-11-21.

Conditions:
Ehlers-Danlos syndrome, kyphoscoliotic type 1 (EDSKSCL1). Also called: EHLERS-DANLOS SYNDROME, TYPE VIA; Ehlers-Danlos syndrome, hydroxylysine-deficient; EHLERS-DANLOS SYNDROME, OCULAR-SCOLIOTIC TYPE; PLOD1-Related Kyphoscoliotic Ehlers-Danlos Syndrome. Identifiers: Orphanet 1900, MedGen C0268342, MONDO:0016002, OMIM 225400. Disease mechanism: loss of function.
PLOD1-related disorder. Also called: PLOD1-related condition.
Familial thoracic aortic aneurysm and aortic dissection (TAAD). Also called: Thoracic aortic aneurysms and dissections. Identifiers: Orphanet 91387, MedGen C4707243, MONDO:0019625.

Allele frequency attached by ClinVar (database versions not stated): ExAC 0.00002; gnomAD 0.00003.
gnomAD v4.1: 7 of 1,613,054 alleles (0.00043%); highest among the groups gnomAD compares: African/African-American, 0.004%; no homozygotes.

Submissions (3):

Labcorp Genetics (formerly Invitae), Labcorp
Classification: Likely benign for Ehlers-Danlos syndrome, kyphoscoliotic type 1. Last evaluated: 2024-11-21. Review status: criteria provided, single submitter. Criteria: Invitae Variant Classification Sherloc (09022015). Collection method: clinical testing. Allele origin: germline.

Ambry Genetics
Classification: Likely benign for Familial thoracic aortic aneurysm and aortic dissection. Last evaluated: 2022-10-14. Review status: criteria provided, single submitter. Criteria: Ambry Variant Classification Scheme 2023. Collection method: clinical testing. Allele origin: germline.

PreventionGenetics, part of Exact Sciences
Classification: Likely benign for PLOD1-related condition. Last evaluated: 2019-12-16. Review status: no assertion criteria provided. Collection method: clinical testing. Allele origin: germline. Not counted in ClinVar's aggregate classification.
Comment: This variant is classified as likely benign based on ACMG/AMP sequence variant interpretation guidelines (Richards et al. 2015 PMID: 25741868, with internal and published modifications).

NM_000302.4(PLOD1):c.1785C>T (p.Asn595=)

Gene: PLOD1 (procollagen-lysine,2-oxoglutarate 5-dioxygenase 1; plus strand). Cytogenetic location: 1p36.22.
Variant type: single nucleotide variant.
Coding change: c.1785C>T on transcript NM_000302.4 (MANE Select); coding-DNA position 1785, C replaced by T.
Protein change: p.Asn595=; no amino-acid change (asparagine 595 retained).
Molecular consequence: synonymous variant.
Genome position (GRCh38, 1-based): chr1:11,970,699, C>T. VCF-style: chr1-11970699-C-T. GRCh37 (hg19) VCF-style: chr1-12030756-C-T.
Other names: c.1926C>T, p.Asn642= (NM_001316320.2).
Identifiers: ClinVar variation 1780077 (VCV001780077.7), dbSNP rs771350321, ClinGen allele CA598563.